The following is an entry in ClinVar:

NM_004815.4(ARHGAP29):c.1227A>G (p.Glu409=)

Gene: ARHGAP29 (Rho GTPase activating protein 29; minus strand). Cytogenetic location: 1p22.1.
Variant type: single nucleotide variant.
Coding change: c.1227A>G on transcript NM_004815.4 (MANE Select); coding-DNA position 1227, A replaced by G.
Protein change: p.Glu409=; no amino-acid change (glutamic acid 409 retained).
Molecular consequence: synonymous variant.
Genome position (GRCh38, 1-based): chr1:94,201,774, T>C on the plus strand (A>G on the coding strand, the complement: ARHGAP29 is on the minus strand). VCF-style: chr1-94201774-T-C. GRCh37 (hg19) VCF-style: chr1-94667330-T-C.
Other names: c.1227A>G, p.Glu409= (NM_001328664.2, NM_001328666.2); c.1035A>G, p.Glu345= (NM_001328665.2, NM_001328667.2).
Identifiers: ClinVar variation 3036101 (VCV003036101.2), dbSNP rs148745316, ClinGen allele CA959569.

ClinVar aggregate classification (germline): Likely benign (0 of 4 stars; one submission).

Conditions:
ARHGAP29-related disorder. Also called: ARHGAP29-related condition; ARHGAP29-Related Disorders.

Allele frequency attached by ClinVar (database versions not stated): gnomAD 0.00009; TOPMed 0.00010; ExAC 0.00014; 1000 Genomes Project 30x 0.00016; 1000 Genomes Project 0.00020; gnomAD exomes 0.00022; ESP Exome Variant Server 0.00023.
gnomAD v4.1: 337 of 1,614,010 alleles (0.021%); highest among the groups gnomAD compares: Non-Finnish European, 0.026%; no homozygotes.

Submission:

PreventionGenetics, part of Exact Sciences
Classification: Likely benign for ARHGAP29-related condition. Last evaluated: 2022-01-12. Review status: no assertion criteria provided. Collection method: clinical testing. Allele origin: germline.
Comment: This variant is classified as likely benign based on ACMG/AMP sequence variant interpretation guidelines (Richards et al. 2015 PMID: 25741868, with internal and published modifications).